The following is an entry in ClinVar:

ClinVar aggregate classification (germline): Uncertain significance (1 of 4 stars; one submission).

gnomAD v4.1: 92 of 1,613,984 alleles (0.0057%); highest among the groups gnomAD compares: African/African-American, 0.1%; no homozygotes.

Submission:

Mayo Clinic Laboratories, Mayo Clinic
Classification: Uncertain significance. Last evaluated: 2024-10-15. Review status: criteria provided, single submitter. Criteria: ACMG Guidelines, 2015. Collection method: clinical testing. Allele origin: germline. Observed: 1 variant allele.
Comment: BP4, PM2_supporting

Literature cited by the submitters: PubMed 27830006.

NM_016633.4(AHSP):c.37G>C (p.Ala13Pro)

Gene: AHSP (alpha hemoglobin stabilizing protein; plus strand). Cytogenetic location: 16p11.2.
Variant type: single nucleotide variant.
Coding change: c.37G>C on transcript NM_016633.4 (MANE Select); coding-DNA position 37, G replaced by C.
Protein change: p.Ala13Pro; replaces alanine 13 with proline.
Molecular consequence: missense variant.
Genome position (GRCh38, 1-based): chr16:31,528,176, G>C. VCF-style: chr16-31528176-G-C. GRCh37 (hg19) VCF-style: chr16-31539497-G-C.
Other names: p.Ala13Pro; c.37G>C, p.Ala13Pro (NM_001318221.2, NM_001318222.2); short protein forms A13P.
Identifiers: ClinVar variation 4542028 (VCV004542028.1).